The following is an entry in ClinVar:

ClinVar aggregate classification (germline): Benign (1 of 4 stars; one submission).

Allele frequency attached by ClinVar (database versions not stated): TOPMed 0.39392; 1000 Genomes Project 30x 0.39694; gnomAD 0.40087 and 0.40430; 1000 Genomes Project 0.40435; gnomAD exomes 0.46065.
gnomAD v4.1: 309,875 of 692,014 alleles (45%); highest among the groups gnomAD compares: East Asian, 58%; 72,436 homozygotes.

Submission:

GeneDx
Classification: Benign. Last evaluated: 2018-06-19. Review status: criteria provided, single submitter. Criteria: GeneDx Variant Classification (06012015). Collection method: clinical testing. Allele origin: germline. Affected: yes.
Comment: This variant is considered likely benign or benign based on one or more of the following criteria: it is a conservative change, it occurs at a poorly conserved position in the protein, it is predicted to be benign by multiple in silico algorithms, and/or has population frequency not consistent with disease.

NM_000426.4(LAMA2):c.8989-148T>A

Gene: LAMA2 (laminin subunit alpha 2; plus strand). Cytogenetic location: 6q22.33.
Variant type: single nucleotide variant.
Coding change: c.8989-148T>A on transcript NM_000426.4 (MANE Select); 148 bases into the intron before coding-DNA position 8989, T replaced by A.
Molecular consequence: intron variant.
Genome position (GRCh38, 1-based): chr6:129,514,225, T>A. VCF-style: chr6-129514225-T-A. GRCh37 (hg19) VCF-style: chr6-129835370-T-A.
Other names: c.8977-148T>A (NM_001079823.2).
Identifiers: ClinVar variation 682956 (VCV000682956.1), dbSNP rs13196682, ClinGen allele CA15450190.